The following is an entry in ClinVar:

NM_000393.5(COL5A2):c.1716+8T>C

Gene: COL5A2 (collagen type V alpha 2 chain; minus strand). Cytogenetic location: 2q32.2.
Variant type: single nucleotide variant.
Coding change: c.1716+8T>C on transcript NM_000393.5 (MANE Select); 8 bases into the intron after coding-DNA position 1716, T replaced by C.
Molecular consequence: intron variant.
Genome position (GRCh38, 1-based): chr2:189,064,549, A>G on the plus strand (T>C on the coding strand, the complement: COL5A2 is on the minus strand). VCF-style: chr2-189064549-A-G. GRCh37 (hg19) VCF-style: chr2-189929275-A-G.
Identifiers: ClinVar variation 3896030 (VCV003896030.1).
Genomic context (GRCh38, chr2:189,064,549, plus strand): 5'-AACCCGACCAATGCATGCTCAGGAGCACTTCTCCCCTTTGATGTAGCAAACACTTGCTAT[A>G]TTCTTACCCGAGCACCTGGAAGCCCAGGTTCCCCTGGACGTCCTGGATCCCCCTGGCTTC-3'

ClinVar aggregate classification (germline): Uncertain significance (1 of 4 stars; one submission).

gnomAD v4.1: 2 of 1,608,268 alleles (0.00012%); highest among the groups gnomAD compares: South Asian, 0.0022%; no homozygotes.

Submission:

Women's Health and Genetics/Laboratory Corporation of America, LabCorp
Classification: Uncertain significance. Last evaluated: 2025-03-21. Review status: criteria provided, single submitter. Criteria: LabCorp Variant Classification Summary - May 2015. Collection method: clinical testing. Allele origin: germline.
Comment: Variant summary: COL5A2 c.1716+8T>C alters a nucleotide located close to a canonical splice site and therefore could affect mRNA splicing, leading to a significantly altered protein sequence. Consensus agreement among computation tools predict no significant impact on normal splicing. However, these predictions have yet to be confirmed by functional studies. The variant was absent in 250866 control chromosomes. The available data on variant occurrences in the general population are insufficient to allow any conclusion about variant significance. To our knowledge, no occurrence of c.1716+8T>C in individuals affected with Ehlers-Danlos syndrome, classic type, 2 and no experimental evidence demonstrating its impact on protein function have been reported. No submitters have cited clinical-significance assessments for this variant to ClinVar. Based on the evidence outlined above, the variant was classified as uncertain significance.